The following is an entry in ClinVar:

ClinVar aggregate classification (germline): Uncertain significance (1 of 4 stars; one submission).

Conditions:
Tyrosinemia type III. Also called: Tyrosinemia type 3; 4-alpha hydroxyphenylpyruvic acid oxidase deficiency; 4-alpha hydroxyphenylpyruvate dioxygenase deficiency; 4-Hydroxyphenylpyruvate dioxygenase deficiency; 4-HYDROXYPHENYLPYRUVIC ACID OXIDASE DEFICIENCY. Identifiers: Orphanet 69723, MedGen C0268623, MONDO:0010162, OMIM 276710.

Submission:

3billion
Classification: Uncertain significance for Tyrosinemia type III. Last evaluated: 2025-11-04. Review status: criteria provided, single submitter. Criteria: ACMG Guidelines, 2015. Collection method: clinical testing. Allele origin: germline. Affected: yes.
Comment: The variant is not observed in the gnomAD v4.1.0 dataset. Predicted Consequence/Location: Intron variant In silico tools predict the variant to alter splicing and produce an abnormal transcript [SpliceAI: 0.83 (>=0.2, moderate evidence for spliceogenicity)]. Therefore, this variant is classified as VUS according to the recommendation of ACMG/AMP guideline.

NM_002150.3(HPD):c.31-33_31-11del

Genes: HPD (4-hydroxyphenylpyruvate dioxygenase; minus strand), TIALD (transcript inducer of AURKA lysosomal degradation; plus strand). Cytogenetic location: 12q24.31.
Variant type: Deletion.
Coding change: c.31-33_31-11del on transcript NM_002150.3 (MANE Select); 33 bases into the intron before coding-DNA position 31 through 11 bases into the intron before coding-DNA position 31, 23 bases deleted (GGACTCAACCTCACCTCTTCTCT).
Molecular consequence: intron variant.
Genome position (GRCh38, 1-based): chr12:121,857,830-121,857,852, AGAGAAGAGGTGAGGTTGAGTCC deleted on the plus strand (GGACTCAACCTCACCTCTTCTCT on the coding strand, the reverse complement: HPD is on the minus strand). VCF-style (leftmost placement, unchanged base first): chr12-121857829-GAGAGAAGAGGTGAGGTTGAGTCC-G. GRCh37 (hg19) VCF-style: chr12-122295735-GAGAGAAGAGGTGAGGTTGAGTCC-G.
Other names: c.-87-33_-87-11del (NM_001171993.2).
Identifiers: ClinVar variation 4854975 (VCV004854975.1).